The following is an entry in ClinVar:

ClinVar aggregate classification (germline): Pathogenic (1 of 4 stars; one submission).

Conditions:
KBG syndrome (KBGS). Also called: ANKRD11-Related KBG Syndrome. Identifiers: Orphanet 2332, MedGen C0220687, MONDO:0007846, OMIM 148050.

Submission:

Solve-RD Consortium
Classification: Pathogenic for KBG syndrome. Review status: criteria provided, single submitter. Criteria: ACMG Guidelines, 2015. Collection method: provider interpretation. Allele origin: germline. Inheritance: Autosomal dominant inheritance. Affected: yes. Study: Solve-RD DIFT-EpiCARE reanalysis.
Comment: PVS1, PM2, PS2

Variant identified during reanalysis of unsolved cases by the Solve-RD project. The Solve-RD project has received funding from the European Union’s Horizon 2020 research and innovation programme under grant agreement No 779257.

NM_013275.6(ANKRD11):c.6796dup (p.Ala2266fs)

Gene: ANKRD11 (ankyrin repeat domain 11; minus strand). Cytogenetic location: 16q24.3.
Variant type: Duplication.
Coding change: c.6796dup on transcript NM_013275.6 (MANE Select); coding-DNA position 6796, one base duplicated (G; older notation c.6796dupG).
Protein change: p.Ala2266fs; shifts the reading frame from alanine 2266.
Molecular consequence: frameshift variant.
Genome position (GRCh38, 1-based): chr16:89,279,746, C duplicated on the plus strand (G on the coding strand, the reverse complement: ANKRD11 is on the minus strand). VCF-style (leftmost placement, unchanged base first): chr16-89279745-G-GC. GRCh37 (hg19) VCF-style: chr16-89346153-G-GC.
Other names: c.6796dup, p.Ala2266fs (NM_001256182.2, NM_001256183.2); short protein forms A2266fs.
Identifiers: ClinVar variation 4890764 (VCV004890764.1).
Genomic context (GRCh38, chr16:89,279,745, plus strand): 5'-TCTGCGGCCTGAGCTTGTGCCACAGTGTTCGGGGCGGGGCCGTCAGGGGCACAGAGGGAC[G>GC]CGGCGGGGGGGCCTTCAGCCTCAGCCCCCTGGTCTCCGCTCCCCAGTGGGCGCTGTTCTG-3'